The following is an entry in ClinVar:

ClinVar aggregate classification (germline): Uncertain significance (1 of 4 stars; one submission).

Submission:

Labcorp Genetics (formerly Invitae), Labcorp
Classification: Uncertain significance. Last evaluated: 2024-01-19. Review status: criteria provided, single submitter. Criteria: Invitae Variant Classification Sherloc (09022015). Collection method: clinical testing. Allele origin: germline.
Comment: This sequence change replaces glycine, which is neutral and non-polar, with serine, which is neutral and polar, at codon 833 of the POLE protein (p.Gly833Ser). This variant is not present in population databases (gnomAD no frequency). This variant has not been reported in the literature in individuals affected with POLE-related conditions. Advanced modeling of protein sequence and biophysical properties (such as structural, functional, and spatial information, amino acid conservation, physicochemical variation, residue mobility, and thermodynamic stability) performed at Invitae indicates that this missense variant is expected to disrupt POLE protein function with a positive predictive value of 80%. In summary, the available evidence is currently insufficient to determine the role of this variant in disease. Therefore, it has been classified as a Variant of Uncertain Significance.

NM_006231.4(POLE):c.2497G>A (p.Gly833Ser)

Gene: POLE (DNA polymerase epsilon, catalytic subunit; minus strand). Cytogenetic location: 12q24.33.
Variant type: single nucleotide variant.
Coding change: c.2497G>A on transcript NM_006231.4 (MANE Select); coding-DNA position 2497, G replaced by A.
Protein change: p.Gly833Ser; replaces glycine 833 with serine.
Molecular consequence: missense variant.
Genome position (GRCh38, 1-based): chr12:132,664,434, C>T on the plus strand (G>A on the coding strand, the complement: POLE is on the minus strand). VCF-style: chr12-132664434-C-T. GRCh37 (hg19) VCF-style: chr12-133241020-C-T.
Other names: short protein forms G833S.
Identifiers: ClinVar variation 2738861 (VCV002738861.3), dbSNP rs2542066477, ClinGen allele CA387396537.